The following is an entry in ClinVar:

ClinVar aggregate classification (germline): Pathogenic. Review status: criteria provided, multiple submitters, no conflicts (2 of 4 stars). 12 submissions from 12 submitters: Pathogenic (9). 3 of the submissions do not count toward it. Last evaluated 2026-02-01.

Conditions:
Pitt-Hopkins syndrome (PTHS). Also called: MENTAL RETARDATION, SYNDROMAL, WITH INTERMITTENT HYPERVENTILATION; ENCEPHALOPATHY, SEVERE EPILEPTIC, WITH AUTONOMIC DYSFUNCTION. Identifiers: Orphanet 2896, MedGen C1970431, MONDO:0012589, OMIM 610954.
H1-4-related disorders.
Auditory neuropathy spectrum disorder. Identifiers: MedGen C2732267.
Rahman syndrome. Also called: HIST1H1E Syndrome. Identifiers: Orphanet 642763, MedGen C4479637, MONDO:0044323, OMIM 617537.

Submissions (12):

GeneDx
Classification: Pathogenic. Last evaluated: 2026-02-01. Review status: criteria provided, single submitter. Criteria: GeneDx Variant Classification Process June 2021. Collection method: clinical testing. Allele origin: germline. Affected: yes.
Comment: Frameshift variant predicted to result in abnormal protein length as the last 72 amino acids are replaced with 47 different amino acids, and other similar variants have been reported in HGMD; Not observed at significant frequency in large population cohorts (gnomAD); This variant is associated with the following publications: (PMID: 32109418, 29704315, 25081361, 28475857, 31400068, 31447100, 31130284, 37362168, 40407739, 36672771, 35904121, 36919607, 33004838, 31910894, 39031819)

Genomic Medicine Center of Excellence, King Faisal Specialist Hospital and Research Centre
Classification: Pathogenic for Pitt-Hopkins syndrome. Last evaluated: 2025-09-10. Review status: criteria provided, single submitter. Criteria: ACMG Guidelines, 2015. Collection method: clinical testing. Allele origin: germline.

3billion
Classification: Pathogenic for Rahman syndrome. Last evaluated: 2025-08-09. Review status: criteria provided, single submitter. Criteria: ACMG Guidelines, 2015. Collection method: clinical testing. Allele origin: germline. Affected: yes.
Comment: The variant is not observed in the gnomAD v4.1.0 dataset. Predicted Consequence/Location: Frameshift: predicted to result in a loss or disruption of normal protein function through protein truncation. The predicted truncated protein may be shortened by more than 10%. The variant has been reported at least twice as pathogenic with clinical assertions and evidence for the classification (ClinVar ID: VCV000428606 /PMID: 25081361 /3billion dataset). Therefore, this variant is classified as Pathogenic according to the recommendation of ACMG/AMP guideline.

Blueprint Genetics
Classification: Pathogenic for H1-4-related disorders. Last evaluated: 2024-10-22. Review status: criteria provided, single submitter. Criteria: ACMG Guidelines, 2015. Collection method: clinical testing. Allele origin: de novo. Affected: yes. Observed: 3 variant alleles.

Pittsburgh Clinical Genomics Laboratory, University of Pittsburgh Medical Center
Classification: Pathogenic for Rahman syndrome. Last evaluated: 2023-02-17. Review status: criteria provided, single submitter. Criteria: ACMG Guidelines, 2015. Collection method: clinical testing. Allele origin: germline. Inheritance: Autosomal dominant inheritance. Affected: yes.
Comment: This sequence variant is a one-nucleotide duplication (dupC) at coding position 441 in the H1-4 gene. This variant has been referred to as c.437dupC and c.441dup in the published literature. This duplication results in a premature termition sigl 48 codons downstream of the frameshift introduced at codon 148. This variant is absent from the gnomAD population database (0 of approximately 230,000 alleles). This is a previously reported variant (ClinVar) that has been identified in multiple D sequencing studies in individuals expressing variable clinical phenotypes including, but not limited to, intellectual disability, autism, microcephaly, seizures, brain atrophy, scoliosis, hip dislocation, dysmorphic features, hyperpigmented lesions in the trunk and distinctive facial gestalt (PMID: 28475857, 29704315, 31130284, 31400068). An in vitro functiol study showed that this variant disrupts proper compaction of D causing a dramatic reduction in proliferation rate and accelerated senescence of patient derived cultured cells (PMID: 31447100). Given this information, we consider this a pathogenic variant. ACMG Criteria: PM2, PS3, PS4, PVS1

Tartaglia Lab, Genetics and Rare Diseases Research Division, Bambino Gesu' Children's Hospital
Classification: Pathogenic for Rahman syndrome. Last evaluated: 2019-05-01. Review status: criteria provided, single submitter. Criteria: ACMG Guidelines, 2015. Collection method: research. Allele origin: de novo. Affected: yes.

Institute of Human Genetics, University of Leipzig Medical Center
Classification: Pathogenic for Rahman syndrome. Last evaluated: 2019-01-01. Review status: criteria provided, single submitter. Criteria: ACMG Guidelines, 2015. Collection method: clinical testing. Allele origin: unknown. Affected: yes.

Laboratory of Molecular Genetics (Pr. Bezieau's lab), CHU de Nantes
Classification: Pathogenic. Last evaluated: 2018-01-09. Review status: criteria provided, single submitter. Criteria: ACMG Guidelines, 2015. Collection method: clinical testing. Allele origin: germline. Affected: yes.

Laboratoire de Génétique Moléculaire, CHU Bordeaux
Classification: Pathogenic. Review status: criteria provided, single submitter. Criteria: ACMG Guidelines, 2015. Collection method: clinical testing. Allele origin: germline. Affected: yes.

Department of Otolaryngology, Head and Neck Surgery, Beijing Friendship Hospital, Capital Medical University
Classification: Pathogenic for Auditory neuropathy spectrum disorder. Last evaluated: 2023-10-08. Review status: no assertion criteria provided. Collection method: clinical testing. Allele origin: de novo. Inheritance: Autosomal dominant inheritance. Affected: yes. Not counted in ClinVar's aggregate classification.

Clinical Genetics Laboratory, University Hospital Schleswig-Holstein
Classification: Pathogenic for Rahman syndrome. Last evaluated: 2021-09-13. Review status: no assertion criteria provided. Collection method: clinical testing. Allele origin: germline. Affected: yes. Not counted in ClinVar's aggregate classification.

OMIM
Classification: Pathogenic for RAHMAN SYNDROME. Last evaluated: 2017-06-27. Review status: no assertion criteria provided. Collection method: literature only. Allele origin: germline. Not counted in ClinVar's aggregate classification.

Literature cited by the submitters: PubMed 25081361 (cited by 3billion); PubMed 29704315 (cited by Pittsburgh Clinical Genomics Laboratory, University of Pittsburgh Medical Center); PubMed 31130284 (cited by Pittsburgh Clinical Genomics Laboratory, University of Pittsburgh Medical Center); PubMed 31400068 (cited by Pittsburgh Clinical Genomics Laboratory, University of Pittsburgh Medical Center); PubMed 31447100 (cited by Pittsburgh Clinical Genomics Laboratory, University of Pittsburgh Medical Center); PubMed 28475857 (cited by Pittsburgh Clinical Genomics Laboratory, University of Pittsburgh Medical Center and OMIM).

NM_005321.3(H1-4):c.441dup (p.Lys148fs)

Gene: H1-4 (H1.4 linker histone, cluster member; plus strand). Cytogenetic location: 6p22.2.
Variant type: Duplication.
Coding change: c.441dup on transcript NM_005321.3 (MANE Select); coding-DNA position 441, one base duplicated (C; older notation c.441dupC).
Protein change: p.Lys148fs; shifts the reading frame from lysine 148.
Molecular consequence: frameshift variant.
Genome position (GRCh38, 1-based): chr6:26,156,831, C duplicated; the last of 5 consecutive C bases (chr6:26,156,827-26,156,831); duplicating any one gives the same sequence. VCF-style (leftmost placement, unchanged base first): chr6-26156826-A-AC. GRCh37 (hg19) VCF-style: chr6-26157054-A-AC.
Other names: c.441dupC (NM_005321.3, NM_005321.2); short protein forms K148fs.
Identifiers: ClinVar variation 428606 (VCV000428606.19), dbSNP rs1131690806, ClinGen allele CA645369391.